The following is an entry in ClinVar:

ClinVar aggregate classification (germline): Uncertain significance (1 of 4 stars; one submission).

Conditions:
Neuroblastoma, susceptibility to, 3. Also called: ALK-Related Neuroblastic Tumor Susceptibility. Identifiers: Orphanet 635, MedGen C2751681, MONDO:0013083, OMIM 613014.

Submission:

Labcorp Genetics (formerly Invitae), Labcorp
Classification: Uncertain significance for Neuroblastoma, susceptibility to, 3. Last evaluated: 2020-05-21. Review status: criteria provided, single submitter. Criteria: Invitae Variant Classification Sherloc (09022015). Collection method: clinical testing. Allele origin: germline.
Comment: This sequence change replaces isoleucine with valine at codon 1461 of the ALK protein (p.Ile1461Val). The isoleucine residue is weakly conserved and there is a small physicochemical difference between isoleucine and valine. This variant is not present in population databases (ExAC no frequency). This variant has not been reported in the literature in individuals with ALK-related conditions. Algorithms developed to predict the effect of missense changes on protein structure and function output the following: SIFT: "Not Available"; PolyPhen-2: "Not Available"; Align-GVGD: "Not Available". The valine amino acid residue is found in multiple mammalian species, suggesting that this missense change does not adversely affect protein function. These predictions have not been confirmed by published functional studies and their clinical significance is uncertain. In summary, the available evidence is currently insufficient to determine the role of this variant in disease. Therefore, it has been classified as a Variant of Uncertain Significance.

NM_004304.5(ALK):c.4380_4381delinsAG (p.Ile1461Val)

Gene: ALK (ALK receptor tyrosine kinase; minus strand). Cytogenetic location: 2p23.2.
Variant type: Indel.
Coding change: c.4380_4381delinsAG on transcript NM_004304.5 (MANE Select); coding-DNA positions 4380 to 4381, GA replaced by AG.
Protein change: p.Ile1461Val; replaces isoleucine 1461 with valine.
Molecular consequence: missense variant.
Genome position (GRCh38, 1-based): chr2:29,193,706-29,193,707, TC replaced by CT on the plus strand (GA replaced by AG on the coding strand, the reverse complement: ALK is on the minus strand). VCF-style: chr2-29193706-TC-CT. GRCh37 (hg19) VCF-style: chr2-29416572-TC-CT.
Other names: c.1176_1177delinsAG, p.Ile393Val (NM_001353765.2); short protein forms I393V, I1461V.
Identifiers: ClinVar variation 1047157 (VCV001047157.7), dbSNP rs1668946149, ClinGen allele CA1241071237.
Genomic context (GRCh38, chr2:29,193,706, plus strand): 5'-AGAATGCCATATTCACGTGTCCCCCTTCCACGGCCGGCCCTCTAGGGACTCGAACAGAGA[TC>CT]TCTGCAGCTGTGGGTTTCTTTGCAGCCTTGCCAGAGGAGGTGGTAGGCAGAGGTGGTGGG-3'
Protein context (NP_004295.2, residues 1451-1471): KAAKKPTAAE[Ile1461Val]SVRVPRGPAV